The following is an entry in ClinVar:

ClinVar aggregate classification (germline): Uncertain significance (1 of 4 stars; one submission).

Allele frequency attached by ClinVar (database versions not stated): gnomAD exomes 0.00001; ExAC 0.00002.

Submission:

Laboratory for Molecular Medicine, Mass General Brigham Personalized Medicine
Classification: Uncertain significance. Last evaluated: 2018-12-27. Review status: criteria provided, single submitter. Criteria: LMM Criteria. Collection method: clinical testing. Allele origin: germline. Observed: 1 variant allele.
Comment: The p.Gly191Ser variant in SNAI2 has not been previously reported in individuals with hearing loss or Waardenburg syrndrome but has been identified in 0.005% (2 /34592) of Latino chromosomes by the Genome Aggregation Database (gnomAD). Computational prediction tools and conservation ana lysis suggest that the p.Gly191Ser variant may impact the protein, though this i nformation is not predictive enough to determine pathogenicity. In summary, the clinical significance of the p.Gly191Ser variant is uncertain. ACMG/AMP Criteria applied: PP3, PM2.

NM_003068.5(SNAI2):c.571G>A (p.Gly191Ser)

Gene: SNAI2 (snail family transcriptional repressor 2; minus strand). Cytogenetic location: 8q11.21.
Variant type: single nucleotide variant.
Coding change: c.571G>A on transcript NM_003068.5 (MANE Select); coding-DNA position 571, G replaced by A.
Protein change: p.Gly191Ser; replaces glycine 191 with serine.
Molecular consequence: missense variant.
Genome position (GRCh38, 1-based): chr8:48,919,950, C>T on the plus strand (G>A on the coding strand, the complement: SNAI2 is on the minus strand). VCF-style: chr8-48919950-C-T. GRCh37 (hg19) VCF-style: chr8-49832509-C-T.
Other names: short protein forms G191S.
Identifiers: ClinVar variation 666922 (VCV000666922.4), dbSNP rs757418816, ClinGen allele CA4743479.